The following is an entry in ClinVar:

NM_000057.4(BLM):c.485C>T (p.Thr162Ile)

Gene: BLM (BLM RecQ like helicase; plus strand). Cytogenetic location: 15q26.1.
Variant type: single nucleotide variant.
Coding change: c.485C>T on transcript NM_000057.4 (MANE Select); coding-DNA position 485, C replaced by T.
Protein change: p.Thr162Ile; replaces threonine 162 with isoleucine.
Molecular consequence: missense variant. On other transcripts: 5 prime UTR variant (1).
Genome position (GRCh38, 1-based): chr15:90,749,753, C>T. VCF-style: chr15-90749753-C-T. GRCh37 (hg19) VCF-style: chr15-91292983-C-T.
Other names: c.485C>T (NM_000057.2); c.485C>T, p.Thr162Ile (NM_001287246.2, NM_001287247.2); c.-807C>T (NM_001287248.2); short protein forms T162I.
Identifiers: ClinVar variation 645121 (VCV000645121.17), dbSNP rs1596218602, ClinGen allele CA393840894.

ClinVar aggregate classification (germline): Uncertain significance. Review status: criteria provided, multiple submitters, no conflicts (2 of 4 stars). 4 submissions from 4 submitters: Uncertain significance (3). 1 of the submissions does not count toward it. Last evaluated 2026-02-03.

Conditions:
Hereditary cancer-predisposing syndrome. Also called: Hereditary Cancer Syndrome; Tumor predisposition; Hereditary neoplastic syndrome; Neoplastic Syndromes, Hereditary. Identifiers: Orphanet 140162, MedGen C0027672, MeSH D009386, MONDO:0015356.
Bloom syndrome (BLM). Also called: Bloom-Torre-Machacek syndrome. Identifiers: Orphanet 125, MedGen C0005859, MONDO:0008876, OMIM 210900.

gnomAD v4.1: 15 of 1,613,604 alleles (0.00093%); highest among the groups gnomAD compares: South Asian, 0.0066%; no homozygotes.

Submissions (4):

Labcorp Genetics (formerly Invitae), Labcorp
Classification: Uncertain significance for Bloom syndrome. Last evaluated: 2026-02-03. Review status: criteria provided, single submitter. Criteria: Invitae Variant Classification Sherloc (09022015). Collection method: clinical testing. Allele origin: germline.
Comment: This sequence change replaces threonine, which is neutral and polar, with isoleucine, which is neutral and non-polar, at codon 162 of the BLM protein (p.Thr162Ile). This variant is not present in population databases (gnomAD no frequency). This variant has not been reported in the literature in individuals affected with BLM-related conditions. ClinVar contains an entry for this variant (Variation ID: 645121). An algorithm developed to predict the effect of missense changes on protein structure and function outputs the following: PolyPhen-2: "Benign". The isoleucine amino acid residue is found in multiple mammalian species, which suggests that this missense change does not adversely affect protein function. In summary, the available evidence is currently insufficient to determine the role of this variant in disease. Therefore, it has been classified as a Variant of Uncertain Significance.

Ambry Genetics
Classification: Uncertain significance for Hereditary cancer-predisposing syndrome. Last evaluated: 2024-06-10. Review status: criteria provided, single submitter. Criteria: Ambry Variant Classification Scheme 2023. Collection method: clinical testing. Allele origin: germline.
Comment: The p.T162I variant (also known as c.485C>T), located in coding exon 2 of the BLM gene, results from a C to T substitution at nucleotide position 485. The threonine at codon 162 is replaced by isoleucine, an amino acid with similar properties. This amino acid position is conserved. In addition, this alteration is predicted to be tolerated by in silico analysis. Since supporting evidence is limited at this time, the clinical significance of this alteration remains unclear.

Sema4
Classification: Uncertain significance for Hereditary cancer-predisposing syndrome. Last evaluated: 2021-12-01. Review status: criteria provided, single submitter. Criteria: Sema4 Curation Guidelines. Collection method: curation. Allele origin: germline.
Comment: The BLM c.485C>T (p.T162I) variant has not been reported in the literature to our knowledge. It was not observed in the large and broad cohorts of the Genome Aggregation Database (PMID: 32461654). The variant has been reported in ClinVar (Variation ID 645121). Functional studies have not been performed, and in silico predictions of the variant's effect on protein function are inconclusive. The evidence is insufficient to meet ACMG/AMP criteria for classifying the variant as benign or pathogenic. Thus, the clinical significance of this variant is currently uncertain.

Natera, Inc.
Classification: Uncertain significance for Bloom syndrome. Last evaluated: 2018-10-24. Review status: no assertion criteria provided. Collection method: clinical testing. Allele origin: germline. Not counted in ClinVar's aggregate classification.